The following is an entry in ClinVar:

ClinVar aggregate classification (germline): Likely benign. Review status: criteria provided, multiple submitters, no conflicts (2 of 4 stars). 2 submissions from 2 submitters: Likely benign (2). Last evaluated 2025-09-01.

Conditions:
Baller-Gerold syndrome (BGS). Also called: CRANIOSYNOSTOSIS WITH RADIAL DEFECTS. Identifiers: Orphanet 1225, MedGen C0265308, MONDO:0009039, OMIM 218600.

Allele frequency attached by ClinVar (database versions not stated): TOPMed below 0.00001.

Submissions (2):

CeGaT Center for Human Genetics Tuebingen
Classification: Likely benign. Last evaluated: 2025-09-01. Review status: criteria provided, single submitter. Criteria: CeGaT Center For Human Genetics Tuebingen Variant Classification Criteria Version 2. Collection method: clinical testing. Allele origin: germline. Affected: yes. Observed: 1 variant allele.
Comment: RECQL4: PM2:Supporting, BP4, BP7

Labcorp Genetics (formerly Invitae), Labcorp
Classification: Likely benign for Baller-Gerold syndrome. Last evaluated: 2023-03-02. Review status: criteria provided, single submitter. Criteria: Invitae Variant Classification Sherloc (09022015). Collection method: clinical testing. Allele origin: germline.

NM_004260.4(RECQL4):c.846T>G (p.Ala282=)

Gene: RECQL4 (RecQ like helicase 4; minus strand). Cytogenetic location: 8q24.3.
Variant type: single nucleotide variant.
Coding change: c.846T>G on transcript NM_004260.4 (MANE Select); coding-DNA position 846, T replaced by G.
Protein change: p.Ala282=; no amino-acid change (alanine 282 retained).
Molecular consequence: synonymous variant.
Genome position (GRCh38, 1-based): chr8:144,516,273, A>C on the plus strand (T>G on the coding strand, the complement: RECQL4 is on the minus strand). VCF-style: chr8-144516273-A-C. GRCh37 (hg19) VCF-style: chr8-145741657-A-C.
Identifiers: ClinVar variation 1110491 (VCV001110491.14), dbSNP rs1361365840, ClinGen allele CA463567924.